The following is an entry in ClinVar:

ClinVar aggregate classification (germline): Pathogenic (1 of 4 stars; one submission).

Conditions:
Hereditary leiomyomatosis and renal cell cancer. Also called: MULTIPLE CUTANEOUS AND UTERINE LEIOMYOMATA 1, WITH OR WITHOUT RENAL CELL CARCINOMA; Multiple cutaneous leiomyomas; LEIOMYOMA, MULTIPLE CUTANEOUS; Familial leiomyomatosis; Reed syndrome; Multiple cutaneous and uterine leiomyomatosis. Identifiers: Orphanet 523, MedGen C1708350, MONDO:0007888, OMIM 150800, HP:0007437. Disease mechanism: loss of function.

Submission:

Myriad Genetics, Inc.
Classification: Pathogenic for Hereditary leiomyomatosis and renal cell cancer. Last evaluated: 2023-07-07. Review status: criteria provided, single submitter. Criteria: Myriad Autosomal Dominant, Autosomal Recessive and X-Linked Classification Criteria (2023). Collection method: clinical testing. Allele origin: unknown.
Comment: This variant is considered pathogenic. This variant creates a frameshift predicted to result in premature protein truncation.

NM_000143.4(FH):c.415del (p.Val139fs)

Gene: FH (fumarate hydratase; minus strand). Cytogenetic location: 1q43.
Variant type: Deletion.
Coding change: c.415del on transcript NM_000143.4 (MANE Select); coding-DNA position 415, one base deleted (G; older notation c.415delG).
Protein change: p.Val139fs; shifts the reading frame from valine 139.
Molecular consequence: frameshift variant.
Genome position (GRCh38, 1-based): chr1:241,512,107, C deleted on the plus strand (G on the coding strand, the reverse complement: FH is on the minus strand). VCF-style (leftmost placement, unchanged base first): chr1-241512106-AC-A. GRCh37 (hg19) VCF-style: chr1-241675406-AC-A.
Other names: short protein forms V139fs.
Identifiers: ClinVar variation 2673433 (VCV002673433.1), dbSNP rs2527332814, ClinGen allele CA2695200403.